The following is an entry in ClinVar:

NM_001042492.3(NF1):c.4665A>C (p.Ala1555=)

Gene: NF1 (neurofibromin 1; plus strand). Cytogenetic location: 17q11.2.
Variant type: single nucleotide variant.
Coding change: c.4665A>C on transcript NM_001042492.3 (MANE Select); coding-DNA position 4665, A replaced by C.
Protein change: p.Ala1555=; no amino-acid change (alanine 1555 retained).
Molecular consequence: synonymous variant.
Genome position (GRCh38, 1-based): chr17:31,261,798, A>C. VCF-style: chr17-31261798-A-C. GRCh37 (hg19) VCF-style: chr17-29588816-A-C.
Other names: c.4602A>C, p.Ala1534= (NM_000267.4).
Identifiers: ClinVar variation 184428 (VCV000184428.20), dbSNP rs786201457, ClinGen allele CA188934.

ClinVar aggregate classification (germline): Benign/Likely benign. Review status: criteria provided, multiple submitters, no conflicts (2 of 4 stars). 7 submissions from 7 submitters: Benign (1); Likely benign (5). 1 of the submissions does not count toward it. Last evaluated 2026-05-19.

Conditions:
NF1-related disorder. Also called: NF1-related condition. Identifiers: MedGen CN379171.
Hereditary cancer-predisposing syndrome. Also called: Tumor predisposition; Neoplastic Syndromes, Hereditary; Hereditary neoplastic syndrome; Hereditary Cancer Syndrome. Identifiers: Orphanet 140162, MedGen C0027672, MeSH D009386, MONDO:0015356.
Neurofibromatosis, type 1 (NF1). Also called: NEUROFIBROMATOSIS, TYPE I, SOMATIC; Peripheral type neurofibromatosis; VON RECKLINGHAUSEN DISEASE; Neurofibromatosis, type I. Identifiers: Orphanet 636, MedGen C0027831, MONDO:0018975, OMIM 162200. Disease mechanism: loss of function.

Allele frequency attached by ClinVar (database versions not stated): TOPMed 0.00004; gnomAD 0.00002; gnomAD exomes 0.00002 and 0.00003.
gnomAD v4.1: 21 of 1,612,758 alleles (0.0013%); highest among the groups gnomAD compares: Non-Finnish European, 0.0017%; no homozygotes.

Submissions (7):

Myriad Genetics, Inc.
Classification: Benign for Neurofibromatosis, type 1. Last evaluated: 2026-05-19. Review status: criteria provided, single submitter. Criteria: Myriad Autosomal Dominant, Autosomal Recessive and X-Linked Classification Criteria (2023). Collection method: clinical testing. Allele origin: unknown.
Comment: This variant is considered benign. This variant is a silent/synonymous amino acid change and it is not expected to impact splicing.

Labcorp Genetics (formerly Invitae), Labcorp
Classification: Likely benign for Neurofibromatosis, type 1. Last evaluated: 2026-01-26. Review status: criteria provided, single submitter. Criteria: Invitae Variant Classification Sherloc (09022015). Collection method: clinical testing. Allele origin: germline.

Genome-Nilou Lab
Classification: Likely benign for Neurofibromatosis, type 1. Last evaluated: 2022-03-15. Review status: criteria provided, single submitter. Criteria: ACMG Guidelines, 2015. Collection method: clinical testing. Allele origin: germline. Affected: no.

Blueprint Genetics
Classification: Likely benign. Last evaluated: 2022-02-15. Review status: criteria provided, single submitter. Criteria: ACMG Guidelines, 2015. Collection method: clinical testing. Allele origin: germline.

GeneDx
Classification: Likely benign. Last evaluated: 2019-10-10. Review status: criteria provided, single submitter. Criteria: GeneDx Variant Classification Process June 2021. Collection method: clinical testing. Allele origin: germline. Affected: yes.

Ambry Genetics
Classification: Likely benign for Hereditary cancer-predisposing syndrome. Last evaluated: 2015-06-11. Review status: criteria provided, single submitter. Criteria: Ambry Autosomal Dominant and X-Linked criteria (10/2015). Collection method: clinical testing. Allele origin: germline. Observed: 1 variant allele.

PreventionGenetics, part of Exact Sciences
Classification: Likely benign for NF1-related condition. Last evaluated: 2020-11-15. Review status: no assertion criteria provided. Collection method: clinical testing. Allele origin: germline. Not counted in ClinVar's aggregate classification.
Comment: This variant is classified as likely benign based on ACMG/AMP sequence variant interpretation guidelines (Richards et al. 2015 PMID: 25741868, with internal and published modifications).